The following is an entry in ClinVar:

ClinVar aggregate classification (germline): Conflicting classifications of pathogenicity. Review status: criteria provided, conflicting classifications (1 of 4 stars). 2 submissions from 2 submitters: Uncertain significance (1); Likely benign (1). Last evaluated 2026-08-24.

Conditions:
Alstrom syndrome (ALMS). Identifiers: Orphanet 64, MedGen C0268425, MONDO:0008763, OMIM 203800.
ALMS1-related disorder. Also called: ALMS1-related condition.

Allele frequency attached by ClinVar (database versions not stated): TOPMed below 0.00001.

Submissions (2):

PreventionGenetics, part of Exact Sciences
Classification: Uncertain significance for ALMS1-related condition. Last evaluated: 2026-08-24. Review status: criteria provided, single submitter. Criteria: ACMG Guidelines, 2015. Collection method: clinical testing. Allele origin: germline.
Comment: The ALMS1 c.702A>G variant is not predicted to result in an amino acid change (p.=). This variant is predicted to alter splicing based on available splicing prediction software (SpliceAI, Jaganathan et al. 2019. PubMed ID: 30661751). However, the use of computer prediction software is not equivalent to functional evidence. To our knowledge, this variant has not been reported in the literature or in a large population database (gnomAD), indicating this variant is rare. At this time, the clinical significance of this variant is uncertain due to the absence of conclusive functional and genetic evidence.

Labcorp Genetics (formerly Invitae), Labcorp
Classification: Likely benign for Alstrom syndrome. Last evaluated: 2023-09-08. Review status: criteria provided, single submitter. Criteria: Invitae Variant Classification Sherloc (09022015). Collection method: clinical testing. Allele origin: germline.

NM_001378454.1(ALMS1):c.699A>G (p.Thr233=)

Gene: ALMS1 (ALMS1 centrosome and basal body associated protein; plus strand). Cytogenetic location: 2p13.1.
Variant type: single nucleotide variant.
Coding change: c.699A>G on transcript NM_001378454.1 (MANE Select); coding-DNA position 699, A replaced by G.
Protein change: p.Thr233=; no amino-acid change (threonine 233 retained).
Molecular consequence: synonymous variant.
Genome position (GRCh38, 1-based): chr2:73,422,909, A>G. VCF-style: chr2-73422909-A-G. GRCh37 (hg19) VCF-style: chr2-73650037-A-G.
Other names: c.702A>G, p.Thr234= (NM_015120.4).
Identifiers: ClinVar variation 2819774 (VCV002819774.4), dbSNP rs1572913330, ClinGen allele CA426768472.